The following is an entry in ClinVar:

ClinVar aggregate classification (germline): Pathogenic/Likely pathogenic. Review status: criteria provided, multiple submitters, no conflicts (2 of 4 stars). 2 submissions from 2 submitters: Pathogenic (1); Likely pathogenic (1). Last evaluated 2026-03-16.

Conditions:
Hereditary cancer-predisposing syndrome. Also called: Neoplastic Syndromes, Hereditary; Hereditary neoplastic syndrome; Hereditary Cancer Syndrome; Tumor predisposition. Identifiers: Orphanet 140162, MedGen C0027672, MeSH D009386, MONDO:0015356.
Breast-ovarian cancer, familial, susceptibility to, 4. Identifiers: Orphanet 145, MedGen C3280345, MONDO:0013669, OMIM 614291.

Submissions (2):

Ambry Genetics
Classification: Pathogenic for Hereditary cancer-predisposing syndrome. Last evaluated: 2026-03-16. Review status: criteria provided, single submitter. Criteria: Ambry Variant Classification Scheme 2023. Collection method: clinical testing. Allele origin: germline.
Comment: The c.475delG pathogenic mutation, located in coding exon 5 of the RAD51D gene, results from a deletion of one nucleotide at nucleotide position 475, causing a translational frameshift with a predicted alternate stop codon (p.E159Nfs*35). This variant is considered to be rare based on population cohorts in the Genome Aggregation Database (gnomAD). This alteration is expected to result in loss of function by premature protein truncation or nonsense-mediated mRNA decay. As such, this alteration is interpreted as a disease-causing mutation.

Mendelics
Classification: Likely pathogenic for Breast-ovarian cancer, familial, susceptibility to, 4. Last evaluated: 2019-05-28. Review status: criteria provided, single submitter. Criteria: Mendelics Assertion Criteria 2017. Collection method: clinical testing. Allele origin: unknown.

NM_002878.4(RAD51D):c.475del (p.Glu159fs)

Genes: RAD51D (RAD51 paralog D; minus strand), RAD51L3-RFFL (RAD51L3-RFFL readthrough; minus strand). Cytogenetic location: 17q12.
Variant type: Deletion.
Coding change: c.475del on transcript NM_002878.4 (MANE Select); coding-DNA position 475, one base deleted (G; older notation c.475delG).
Protein change: p.Glu159fs; shifts the reading frame from glutamic acid 159.
Molecular consequence: frameshift variant. On other transcripts: non-coding transcript variant (1), intron variant (1).
Genome position (GRCh38, 1-based): chr17:35,106,993, C deleted on the plus strand (G on the coding strand, the reverse complement: RAD51D is on the minus strand); the first of 2 consecutive C bases (chr17:35,106,993-35,106,994); deleting either gives the same sequence. VCF-style (leftmost placement, unchanged base first): chr17-35106992-TC-T. GRCh37 (hg19) VCF-style: chr17-33434011-TC-T.
Other names: c.475delG (NM_002878.3); c.535del, p.Glu179fs (NM_001142571.2); c.145-512del (NM_133629.3); short protein forms E159fs, E179fs.
Identifiers: ClinVar variation 803382 (VCV000803382.2), dbSNP rs1597862493, ClinGen allele CA915949986.
Genomic context (GRCh38, chr17:35,106,992, plus strand): 5'-GATAATGGGGTTTTCCTGTGTCAGAATCTCAATGGAACCCAGCATCCTGCCCTTACCTGT[TC>T]CTCCTCATCCTGGGTTTTAGCCTGAAGCAGCTGGAGGAGGCGGGAAGCTGTCAGCCCTCC-3'